The following is an entry in ClinVar:

NM_003072.5(SMARCA4):c.2006A>T (p.Glu669Val)

Gene: SMARCA4 (SWI/SNF related BAF chromatin remodeling complex subunit ATPase 4; plus strand). Cytogenetic location: 19p13.2.
Variant type: single nucleotide variant.
Coding change: c.2006A>T on transcript NM_003072.5 (MANE Select); coding-DNA position 2006, A replaced by T.
Protein change: p.Glu669Val; replaces glutamic acid 669 with valine.
Molecular consequence: missense variant. On other transcripts: non-coding transcript variant (1).
Genome position (GRCh38, 1-based): chr19:11,007,906, A>T. VCF-style: chr19-11007906-A-T. GRCh37 (hg19) VCF-style: chr19-11118582-A-T.
Other names: c.2006A>T, p.Glu669Val (NM_001128844.3, NM_001128845.2, NM_001128846.2 and 5 more transcripts); short protein forms E669V.
Identifiers: ClinVar variation 656916 (VCV000656916.15), dbSNP rs1600167346, ClinGen allele CA404052371.

ClinVar aggregate classification (germline): Uncertain significance. Review status: criteria provided, multiple submitters, no conflicts (2 of 4 stars). 3 submissions from 3 submitters: Uncertain significance (3). Last evaluated 2025-08-15.

Conditions:
Rhabdoid tumor predisposition syndrome 2 (RTPS2). Identifiers: Orphanet 231108, Orphanet 69077, MedGen C2750074, MONDO:0013224, OMIM 613325.
Hereditary cancer-predisposing syndrome. Also called: Hereditary neoplastic syndrome; Tumor predisposition; Neoplastic Syndromes, Hereditary; Hereditary Cancer Syndrome. Identifiers: Orphanet 140162, MedGen C0027672, MeSH D009386, MONDO:0015356.

Allele frequency attached by ClinVar (database versions not stated): gnomAD exomes below 0.00001.
gnomAD v4.1: 4 of 1,613,536 alleles (0.00025%); highest among the groups gnomAD compares: Non-Finnish European, 0.00034%; no homozygotes.

Submissions (3):

Labcorp Genetics (formerly Invitae), Labcorp
Classification: Uncertain significance for Rhabdoid tumor predisposition syndrome 2. Last evaluated: 2025-08-15. Review status: criteria provided, single submitter. Criteria: Invitae Variant Classification Sherloc (09022015). Collection method: clinical testing. Allele origin: germline.
Comment: This sequence change replaces glutamic acid, which is acidic and polar, with valine, which is neutral and non-polar, at codon 669 of the SMARCA4 protein (p.Glu669Val). This variant is not present in population databases (gnomAD no frequency). This variant has not been reported in the literature in individuals affected with SMARCA4-related conditions. ClinVar contains an entry for this variant (Variation ID: 656916). Invitae Evidence Modeling of protein sequence and biophysical properties (such as structural, functional, and spatial information, amino acid conservation, physicochemical variation, residue mobility, and thermodynamic stability) indicates that this missense variant is not expected to disrupt SMARCA4 protein function with a negative predictive value of 80%. In summary, the available evidence is currently insufficient to determine the role of this variant in disease. Therefore, it has been classified as a Variant of Uncertain Significance.

Ambry Genetics
Classification: Uncertain significance for Hereditary cancer-predisposing syndrome. Last evaluated: 2024-12-04. Review status: criteria provided, single submitter. Criteria: Ambry Variant Classification Scheme 2023. Collection method: clinical testing. Allele origin: germline.
Comment: The p.E669V variant (also known as c.2006A>T), located in coding exon 13 of the SMARCA4 gene, results from an A to T substitution at nucleotide position 2006. The glutamic acid at codon 669 is replaced by valine, an amino acid with dissimilar properties. This amino acid position is well conserved in available vertebrate species. In addition, this alteration is predicted to be tolerated by in silico analysis. Based on the available evidence, the clinical significance of this variant remains unclear.

GeneDx
Classification: Uncertain significance. Last evaluated: 2024-09-26. Review status: criteria provided, single submitter. Criteria: GeneDx Variant Classification Process June 2021. Collection method: clinical testing. Allele origin: germline. Affected: yes.
Comment: Not observed at significant frequency in large population cohorts (gnomAD); In silico analysis supports that this missense variant has a deleterious effect on protein structure/function; Has not been previously published as pathogenic or benign to our knowledge